The following is an entry in ClinVar:

NM_020812.4(DOCK6):c.5912G>A (p.Arg1971Gln)

Gene: DOCK6 (dedicator of cytokinesis 6; minus strand). Cytogenetic location: 19p13.2.
Variant type: single nucleotide variant.
Coding change: c.5912G>A on transcript NM_020812.4 (MANE Select); coding-DNA position 5912, G replaced by A.
Protein change: p.Arg1971Gln; replaces arginine 1971 with glutamine.
Molecular consequence: missense variant.
Genome position (GRCh38, 1-based): chr19:11,200,743, C>T on the plus strand (G>A on the coding strand, the complement: DOCK6 is on the minus strand). VCF-style: chr19-11200743-C-T. GRCh37 (hg19) VCF-style: chr19-11311419-C-T.
Other names: c.6017G>A, p.Arg2006Gln (NM_001367830.1); c.5912G>A (NM_020812.3); short protein forms R2006Q, R1971Q.
Identifiers: ClinVar variation 1376925 (VCV001376925.4), dbSNP rs761608003, ClinGen allele CA305301867.

ClinVar aggregate classification (germline): Uncertain significance. Review status: criteria provided, multiple submitters, no conflicts (2 of 4 stars). 2 submissions from 2 submitters: Uncertain significance (2). Last evaluated 2023-06-05.

Conditions:
DOCK6-related disorder. Also called: DOCK6-related condition.

gnomAD v4.1: 21 of 1,613,476 alleles (0.0013%); highest among the groups gnomAD compares: Middle Eastern, 0.016%; no homozygotes.

Submissions (2):

PreventionGenetics, part of Exact Sciences
Classification: Uncertain significance for DOCK6-related condition. Last evaluated: 2023-06-05. Review status: criteria provided, single submitter. Criteria: ACMG Guidelines, 2015. Collection method: clinical testing. Allele origin: germline.
Comment: The DOCK6 c.5912G>A variant is predicted to result in the amino acid substitution p.Arg1971Gln. To our knowledge, this variant has not been reported in the literature. This variant is reported in 0.0028% of alleles in individuals of Latino descent in gnomAD. At this time, the clinical significance of this variant is uncertain due to the absence of conclusive functional and genetic evidence.

Labcorp Genetics (formerly Invitae), Labcorp
Classification: Uncertain significance. Last evaluated: 2022-07-01. Review status: criteria provided, single submitter. Criteria: Invitae Variant Classification Sherloc (09022015). Collection method: clinical testing. Allele origin: germline.
Comment: In summary, the available evidence is currently insufficient to determine the role of this variant in disease. Therefore, it has been classified as a Variant of Uncertain Significance. Algorithms developed to predict the effect of sequence changes on RNA splicing suggest that this variant may create or strengthen a splice site. Algorithms developed to predict the effect of missense changes on protein structure and function are either unavailable or do not agree on the potential impact of this missense change (SIFT: "Deleterious"; PolyPhen-2: "Probably Damaging"; Align-GVGD: "Class C0"). ClinVar contains an entry for this variant (Variation ID: 1376925). This variant has not been reported in the literature in individuals affected with DOCK6-related conditions. The frequency data for this variant in the population databases is considered unreliable, as metrics indicate poor data quality at this position in the gnomAD database. This sequence change replaces arginine, which is basic and polar, with glutamine, which is neutral and polar, at codon 1971 of the DOCK6 protein (p.Arg1971Gln).